The following is an entry in ClinVar:

NM_006297.3(XRCC1):c.1082+16C>G

Gene: XRCC1 (X-ray repair cross complementing 1; minus strand). Cytogenetic location: 19q13.31.
Variant type: single nucleotide variant.
Coding change: c.1082+16C>G on transcript NM_006297.3 (MANE Select); 16 bases into the intron after coding-DNA position 1082, C replaced by G.
Molecular consequence: intron variant.
Genome position (GRCh38, 1-based): chr19:43,552,001, G>C on the plus strand (C>G on the coding strand, the complement: XRCC1 is on the minus strand). VCF-style: chr19-43552001-G-C. GRCh37 (hg19) VCF-style: chr19-44056153-G-C.
Identifiers: ClinVar variation 4525849 (VCV004525849.2).

ClinVar aggregate classification (germline): Benign/Likely benign. Review status: criteria provided, multiple submitters, no conflicts (2 of 4 stars). 2 submissions from 2 submitters: Benign (1); Likely benign (1). Last evaluated 2025-07-16.

gnomAD v4.1: 432 of 1,612,272 alleles (0.027%); highest among the groups gnomAD compares: African/African-American, 0.45%; 2 homozygotes.

Submissions (2):

Women's Health and Genetics/Laboratory Corporation of America, LabCorp
Classification: Benign. Last evaluated: 2025-07-16. Review status: criteria provided, single submitter. Criteria: LabCorp Variant Classification Summary - May 2015. Collection method: clinical testing. Allele origin: germline.
Comment: Variant summary: XRCC1 c.1082+16C>G alters a non-conserved nucleotide located at a position not widely known to affect splicing. Consensus agreement among computation tools predict no significant impact on normal splicing. However, these predictions have yet to be confirmed by functional studies. The variant allele was found at a frequency of 0.00027 in 1605312 control chromosomes, predominantly at a frequency of 0.0045 within the African or African-American subpopulation in the gnomAD database, including 2 homozygotes. The observed variant frequency within African or African-American control individuals in the gnomAD database exceeds the estimated maximal expected allele frequency for a pathogenic variant in XRCC1 causing Spinocerebellar Ataxia, Autosomal Recessive 26 phenotype. To our knowledge, no occurrence of c.1082+16C>G in individuals affected with Spinocerebellar Ataxia, Autosomal Recessive 26 and no experimental evidence demonstrating its impact on protein function have been reported. No submitters have cited clinical-significance assessments for this variant to ClinVar. Based on the evidence outlined above, the variant was classified as benign.

Blueprint Genetics
Classification: Likely benign. Last evaluated: 2024-11-05. Review status: criteria provided, single submitter. Criteria: ACMG Guidelines, 2015. Collection method: clinical testing. Allele origin: germline.